The following is an entry in ClinVar:

ClinVar aggregate classification (germline): Uncertain significance. Review status: criteria provided, multiple submitters, no conflicts (2 of 4 stars). 2 submissions from 2 submitters: Uncertain significance (2). Last evaluated 2025-03-08.

Conditions:
Inborn genetic diseases. Identifiers: MedGen C0950123, MeSH D030342.

Allele frequency attached by ClinVar (database versions not stated): TOPMed below 0.00001; ExAC 0.00001.
gnomAD v4.1: 36 of 1,611,334 alleles (0.0022%); highest among the groups gnomAD compares: Non-Finnish European, 0.0031%; no homozygotes.

Submissions (2):

Ambry Genetics
Classification: Uncertain significance for Inborn genetic diseases. Last evaluated: 2025-03-08. Review status: criteria provided, single submitter. Criteria: Ambry Variant Classification Scheme 2023. Collection method: clinical testing. Allele origin: germline.

Labcorp Genetics (formerly Invitae), Labcorp
Classification: Uncertain significance. Last evaluated: 2022-02-11. Review status: criteria provided, single submitter. Criteria: Invitae Variant Classification Sherloc (09022015). Collection method: clinical testing. Allele origin: germline.
Comment: In summary, the available evidence is currently insufficient to determine the role of this variant in disease. Therefore, it has been classified as a Variant of Uncertain Significance. Algorithms developed to predict the effect of missense changes on protein structure and function output the following: SIFT: "Deleterious"; PolyPhen-2: "Benign"; Align-GVGD: "Class C0". The glutamic acid amino acid residue is found in multiple mammalian species, which suggests that this missense change does not adversely affect protein function. This variant has not been reported in the literature in individuals affected with C2CD3-related conditions. This variant is present in population databases (rs777632461, gnomAD 0.0009%). This sequence change replaces aspartic acid, which is acidic and polar, with glutamic acid, which is acidic and polar, at codon 1346 of the C2CD3 protein (p.Asp1346Glu).

NM_001286577.2(C2CD3):c.4038C>G (p.Asp1346Glu)

Gene: C2CD3 (C2 domain containing 3 centriole elongation regulator; minus strand). Cytogenetic location: 11q13.4.
Variant type: single nucleotide variant.
Coding change: c.4038C>G on transcript NM_001286577.2 (MANE Select); coding-DNA position 4038, C replaced by G.
Protein change: p.Asp1346Glu; replaces aspartic acid 1346 with glutamic acid.
Molecular consequence: missense variant.
Genome position (GRCh38, 1-based): chr11:74,078,680, G>C on the plus strand (C>G on the coding strand, the complement: C2CD3 is on the minus strand). VCF-style: chr11-74078680-G-C. GRCh37 (hg19) VCF-style: chr11-73789725-G-C.
Other names: c.4038C>G, p.Asp1346Glu (NM_015531.6); c.4038C>G (NM_015531.4); short protein forms D1346E.
Identifiers: ClinVar variation 1959989 (VCV001959989.5), dbSNP rs777632461, ClinGen allele CA6182219.